The following is an entry in ClinVar:

ClinVar aggregate classification (germline): Uncertain significance. Review status: criteria provided, multiple submitters, no conflicts (2 of 4 stars). 2 submissions from 2 submitters: Uncertain significance (2). Last evaluated 2024-07-08.

Conditions:
Leber congenital amaurosis 13 (LCA13). Identifiers: MedGen C2675186, MONDO:0012990, OMIM 612712.

Allele frequency attached by ClinVar (database versions not stated): gnomAD exomes below 0.00001.
gnomAD v4.1: 2 of 1,599,900 alleles (0.00013%); highest among the groups gnomAD compares: South Asian, 0.0011%; no homozygotes.

Submissions (2):

Labcorp Genetics (formerly Invitae), Labcorp
Classification: Uncertain significance for Leber congenital amaurosis 13. Last evaluated: 2024-07-08. Review status: criteria provided, single submitter. Criteria: Invitae Variant Classification Sherloc (09022015). Collection method: clinical testing. Allele origin: germline.
Comment: This sequence change replaces threonine, which is neutral and polar, with isoleucine, which is neutral and non-polar, at codon 264 of the RDH12 protein (p.Thr264Ile). The frequency data for this variant in the population databases is considered unreliable, as metrics indicate poor data quality at this position in the gnomAD database. This variant has not been reported in the literature in individuals affected with RDH12-related conditions. ClinVar contains an entry for this variant (Variation ID: 2002114). Advanced modeling of protein sequence and biophysical properties (such as structural, functional, and spatial information, amino acid conservation, physicochemical variation, residue mobility, and thermodynamic stability) performed at Invitae indicates that this missense variant is expected to disrupt RDH12 protein function with a positive predictive value of 80%. In summary, the available evidence is currently insufficient to determine the role of this variant in disease. Therefore, it has been classified as a Variant of Uncertain Significance.

Blueprint Genetics
Classification: Uncertain significance. Last evaluated: 2020-03-11. Review status: criteria provided, single submitter. Criteria: ACMG Guidelines, 2015. Collection method: clinical testing. Allele origin: germline.

NM_152443.3(RDH12):c.791C>T (p.Thr264Ile)

Genes: GPHN (gephyrin; plus strand), RDH12 (retinol dehydrogenase 12; plus strand), ZFYVE26 (zinc finger FYVE-type containing 26; minus strand). Cytogenetic location: 14q24.1.
Variant type: single nucleotide variant.
Coding change: c.791C>T on transcript NM_152443.3 (MANE Select); coding-DNA position 791, C replaced by T.
Protein change: p.Thr264Ile; replaces threonine 264 with isoleucine.
Molecular consequence: missense variant.
Genome position (GRCh38, 1-based): chr14:67,729,323, C>T. VCF-style: chr14-67729323-C-T. GRCh37 (hg19) VCF-style: chr14-68196040-C-T.
Other names: short protein forms T264I.
Identifiers: ClinVar variation 2002114 (VCV002002114.5), dbSNP rs1263794372, ClinGen allele CA390153180.